The following is an entry in ClinVar:

NM_015294.6(TRIM37):c.1189G>T (p.Val397Leu)

Gene: TRIM37 (tripartite motif containing 37; minus strand). Cytogenetic location: 17q22.
Variant type: single nucleotide variant.
Coding change: c.1189G>T on transcript NM_015294.6 (MANE Select); coding-DNA position 1189, G replaced by T.
Protein change: p.Val397Leu; replaces valine 397 with leucine.
Molecular consequence: missense variant. On other transcripts: non-coding transcript variant (2).
Genome position (GRCh38, 1-based): chr17:59,056,885, C>A on the plus strand (G>T on the coding strand, the complement: TRIM37 is on the minus strand). VCF-style: chr17-59056885-C-A. GRCh37 (hg19) VCF-style: chr17-57134246-C-A.
Other names: c.1189G>T, p.Val397Leu (NM_001005207.5, NM_001320988.3, NM_001320989.3 and 1 more transcripts); c.1087G>T, p.Val363Leu (NM_001320987.3, NM_001353082.2); c.823G>T, p.Val275Leu (NM_001320990.3); c.454G>T, p.Val152Leu (NM_001353083.2); c.727G>T, p.Val243Leu (NM_001353085.2); c.1138G>T, p.Val380Leu (NM_001353086.2); short protein forms V380L, V152L, V243L, V397L, V275L, V363L.
Identifiers: ClinVar variation 1350286 (VCV001350286.8), dbSNP rs148604776, ClinGen allele CA400403198.

ClinVar aggregate classification (germline): Uncertain significance (1 of 4 stars; one submission).

Submission:

Labcorp Genetics (formerly Invitae), Labcorp
Classification: Uncertain significance. Last evaluated: 2022-07-19. Review status: criteria provided, single submitter. Criteria: Invitae Variant Classification Sherloc (09022015). Collection method: clinical testing. Allele origin: germline.
Comment: In summary, the available evidence is currently insufficient to determine the role of this variant in disease. Therefore, it has been classified as a Variant of Uncertain Significance. Algorithms developed to predict the effect of missense changes on protein structure and function are either unavailable or do not agree on the potential impact of this missense change (SIFT: "Not Available"; PolyPhen-2: "Benign"; Align-GVGD: "Not Available"). ClinVar contains an entry for this variant (Variation ID: 1350286). This variant has not been reported in the literature in individuals affected with TRIM37-related conditions. This variant is not present in population databases (gnomAD no frequency). This sequence change replaces valine, which is neutral and non-polar, with leucine, which is neutral and non-polar, at codon 397 of the TRIM37 protein (p.Val397Leu).